The following is an entry in ClinVar:

ClinVar aggregate classification (germline): Uncertain significance (1 of 4 stars; one submission).

Conditions:
CACNB2-related disorder. Also called: CACNB2-related condition.

gnomAD v4.1: 2 of 1,613,962 alleles (0.00012%); highest among the groups gnomAD compares: African/African-American, 0.0027%; no homozygotes.

Submission:

PreventionGenetics, part of Exact Sciences
Classification: Uncertain significance for CACNB2-related condition. Last evaluated: 2025-09-04. Review status: criteria provided, single submitter. Criteria: ACMG Guidelines, 2015. Collection method: clinical testing. Allele origin: germline.
Comment: The CACNB2 c.671-3T>C variant is predicted to interfere with splicing. To our knowledge, this variant has not been reported in the literature. This variant is reported in 0.011% of alleles in individuals of African descent in gnomAD. At this time, the clinical significance of this variant is uncertain due to the absence of conclusive functional and genetic evidence.

NM_201596.3(CACNB2):c.804+139T>C

Gene: CACNB2 (calcium voltage-gated channel auxiliary subunit beta 2; plus strand). Cytogenetic location: 10p12.31.
Variant type: single nucleotide variant.
Coding change: c.804+139T>C on transcript NM_201596.3 (MANE Select); 139 bases into the intron after coding-DNA position 804, T replaced by C.
Molecular consequence: intron variant.
Genome position (GRCh38, 1-based): chr10:18,514,508, T>C. VCF-style: chr10-18514508-T-C. GRCh37 (hg19) VCF-style: chr10-18803437-T-C.
Other names: c.720+139T>C (NM_201571.4); c.587-3T>C (NM_001167945.2); c.587-472T>C (NM_201572.4); c.671-3T>C (NM_201593.3); c.671-472T>C (NM_201597.3); c.639+139T>C (NM_000724.4); c.506-3T>C (NM_001330060.2); c.642+139T>C (NM_201590.3); and 2 more.
Identifiers: ClinVar variation 4985367 (VCV004985367.1).